The following is an entry in ClinVar:

ClinVar aggregate classification (germline): Uncertain significance (1 of 4 stars; one submission).

Allele frequency attached by ClinVar (database versions not stated): TOPMed below 0.00001; gnomAD 0.00001; ExAC 0.00002; 1000 Genomes Project 30x 0.00016; 1000 Genomes Project 0.00020.
gnomAD v4.1: 8 of 1,607,728 alleles (0.0005%); highest among the groups gnomAD compares: South Asian, 0.0088%; 1 homozygote.

Submission:

Labcorp Genetics (formerly Invitae), Labcorp
Classification: Uncertain significance. Last evaluated: 2023-12-19. Review status: criteria provided, single submitter. Criteria: Invitae Variant Classification Sherloc (09022015). Collection method: clinical testing. Allele origin: germline.
Comment: This sequence change replaces threonine, which is neutral and polar, with serine, which is neutral and polar, at codon 344 of the COL4A3 protein (p.Thr344Ser). This variant is present in population databases (rs565527848, gnomAD 0.006%). This variant has not been reported in the literature in individuals affected with COL4A3-related conditions. An algorithm developed to predict the effect of missense changes on protein structure and function (PolyPhen-2) suggests that this variant is likely to be disruptive. In summary, the available evidence is currently insufficient to determine the role of this variant in disease. Therefore, it has been classified as a Variant of Uncertain Significance.

NM_000091.5(COL4A3):c.1030A>T (p.Thr344Ser)

Genes: COL4A3 (collagen type IV alpha 3 chain; plus strand), MFF-DT (MFF divergent transcript; minus strand). Cytogenetic location: 2q36.3.
Variant type: single nucleotide variant.
Coding change: c.1030A>T on transcript NM_000091.5 (MANE Select); coding-DNA position 1030, A replaced by T.
Protein change: p.Thr344Ser; replaces threonine 344 with serine.
Molecular consequence: missense variant.
Genome position (GRCh38, 1-based): chr2:227,259,793, A>T. VCF-style: chr2-227259793-A-T. GRCh37 (hg19) VCF-style: chr2-228124509-A-T.
Other names: short protein forms T344S.
Identifiers: ClinVar variation 2898665 (VCV002898665.1), dbSNP rs565527848, ClinGen allele CA2146508.